The following is an entry in ClinVar:

NM_024675.4(PALB2):c.2650G>A (p.Glu884Lys)

Gene: PALB2 (partner and localizer of BRCA2; minus strand). Cytogenetic location: 16p12.2.
Variant type: single nucleotide variant.
Coding change: c.2650G>A on transcript NM_024675.4 (MANE Select); coding-DNA position 2650, G replaced by A.
Protein change: p.Glu884Lys; replaces glutamic acid 884 with lysine.
Molecular consequence: missense variant.
Genome position (GRCh38, 1-based): chr16:23,626,334, C>T on the plus strand (G>A on the coding strand, the complement: PALB2 is on the minus strand). VCF-style: chr16-23626334-C-T. GRCh37 (hg19) VCF-style: chr16-23637655-C-T.
Other names: short protein forms E884K.
Identifiers: ClinVar variation 925785 (VCV000925785.4), dbSNP rs1304351755, ClinGen allele CA395122127.

ClinVar aggregate classification (germline): Uncertain significance. Review status: criteria provided, multiple submitters, no conflicts (2 of 4 stars). 2 submissions from 2 submitters: Uncertain significance (2). Last evaluated 2022-02-21.

Conditions:
Hereditary cancer-predisposing syndrome. Also called: Neoplastic Syndromes, Hereditary; Tumor predisposition; Hereditary Cancer Syndrome; Hereditary neoplastic syndrome. Identifiers: Orphanet 140162, MedGen C0027672, MeSH D009386, MONDO:0015356.
Familial cancer of breast. Also called: BREAST CANCER, FAMILIAL; Hereditary breast cancer; hereditary breast carcinoma. Identifiers: Orphanet 227535, MedGen C0346153, MONDO:0016419, OMIM 114480. Disease mechanism: loss of function.

Allele frequency attached by ClinVar (database versions not stated): gnomAD exomes below 0.00001; gnomAD 0.00001; TOPMed 0.00001.
gnomAD v4.1: 3 of 1,614,074 alleles (0.00019%); highest among the groups gnomAD compares: Non-Finnish European, 0.00025%; no homozygotes.

Submissions (2):

Labcorp Genetics (formerly Invitae), Labcorp
Classification: Uncertain significance for Familial cancer of breast. Last evaluated: 2022-02-21. Review status: criteria provided, single submitter. Criteria: Invitae Variant Classification Sherloc (09022015). Collection method: clinical testing. Allele origin: germline.
Comment: This sequence change replaces glutamic acid, which is acidic and polar, with lysine, which is basic and polar, at codon 884 of the PALB2 protein (p.Glu884Lys). This variant is not present in population databases (gnomAD no frequency). This variant has not been reported in the literature in individuals affected with PALB2-related conditions. ClinVar contains an entry for this variant (Variation ID: 925785). Algorithms developed to predict the effect of missense changes on protein structure and function are either unavailable or do not agree on the potential impact of this missense change (SIFT: "Tolerated"; PolyPhen-2: "Possibly Damaging"; Align-GVGD: "Class C0"). In summary, the available evidence is currently insufficient to determine the role of this variant in disease. Therefore, it has been classified as a Variant of Uncertain Significance.

Color Diagnostics, LLC DBA Color Health
Classification: Uncertain significance for Hereditary cancer-predisposing syndrome. Last evaluated: 2018-11-30. Review status: criteria provided, single submitter. Criteria: ACMG Guidelines, 2015. Collection method: clinical testing. Allele origin: germline.